The following is an entry in ClinVar:

ClinVar aggregate classification (germline): Uncertain significance (1 of 4 stars; one submission).

Conditions:
Early-infantile DEE. Also called: Early infantile epileptic encephalopathy; Ohtahara syndrome; Early infantile epileptic encephalopathy with suppression bursts. Identifiers: Orphanet 1934, MedGen C0393706, MONDO:0800491.

Submission:

Labcorp Genetics (formerly Invitae), Labcorp
Classification: Uncertain significance for Early-infantile DEE. Last evaluated: 2025-08-26. Review status: criteria provided, single submitter. Criteria: Invitae Variant Classification Sherloc (09022015). Collection method: clinical testing. Allele origin: germline.
Comment: This sequence change replaces serine, which is neutral and polar, with threonine, which is neutral and polar, at codon 484 of the SCN8A protein (p.Ser484Thr). This variant is not present in population databases (gnomAD no frequency). This variant has not been reported in the literature in individuals affected with SCN8A-related conditions. Invitae Evidence Modeling of protein sequence and biophysical properties (such as structural, functional, and spatial information, amino acid conservation, physicochemical variation, residue mobility, and thermodynamic stability) indicates that this missense variant is not expected to disrupt SCN8A protein function with a negative predictive value of 95%. In summary, the available evidence is currently insufficient to determine the role of this variant in disease. Therefore, it has been classified as a Variant of Uncertain Significance.

NM_001330260.2(SCN8A):c.1451G>C (p.Ser484Thr)

Gene: SCN8A (sodium voltage-gated channel alpha subunit 8; plus strand). Cytogenetic location: 12q13.13.
Variant type: single nucleotide variant.
Coding change: c.1451G>C on transcript NM_001330260.2 (MANE Select); coding-DNA position 1451, G replaced by C.
Protein change: p.Ser484Thr; replaces serine 484 with threonine.
Molecular consequence: missense variant.
Genome position (GRCh38, 1-based): chr12:51,706,531, G>C. VCF-style: chr12-51706531-G-C. GRCh37 (hg19) VCF-style: chr12-52100315-G-C.
Other names: c.1451G>C, p.Ser484Thr (NM_001177984.3, NM_001369788.1, NM_014191.4); short protein forms S484T.
Identifiers: ClinVar variation 4739253 (VCV004739253.1).